The following is an entry in ClinVar:

NM_080546.5(SLC44A1):c.859C>T (p.Arg287Trp)

Gene: SLC44A1 (solute carrier family 44 member 1; plus strand). Cytogenetic location: 9q31.1.
Variant type: single nucleotide variant.
Coding change: c.859C>T on transcript NM_080546.5 (MANE Select); coding-DNA position 859, C replaced by T.
Protein change: p.Arg287Trp; replaces arginine 287 with tryptophan.
Molecular consequence: missense variant.
Genome position (GRCh38, 1-based): chr9:105,361,289, C>T. VCF-style: chr9-105361289-C-T. GRCh37 (hg19) VCF-style: chr9-108123570-C-T.
Other names: p.Arg287Trp; c.859C>T, p.Arg287Trp (NM_001286730.2, NM_001330731.2); short protein forms R287W.
Identifiers: ClinVar variation 3164817 (VCV003164817.3), dbSNP rs141353650, ClinGen allele CA5169781.
Genomic context (GRCh38, chr9:105,361,289, plus strand): 5'-AGAAGGTCTCCCAAAGAAACTGTTACTCCTGAGCAGCTTCAGATAGCTGAAGACAATCTT[C>T]GGGCCCTCCTCATTTATGCCATTTCAGCTACAGTGTTCACAGTGAGTTTAGGCTTTGGCG-3'
Protein context (NP_536856.2, residues 277-297): EQLQIAEDNL[Arg287Trp]ALLIYAISAT

ClinVar aggregate classification (germline): Uncertain significance. Review status: criteria provided, multiple submitters, no conflicts (2 of 4 stars). 2 submissions from 2 submitters: Uncertain significance (2). Last evaluated 2025-10-08.

Allele frequency attached by ClinVar (database versions not stated): gnomAD 0.00005; 1000 Genomes Project 30x 0.00016; ESP Exome Variant Server 0.00008; 1000 Genomes Project 0.00020; TOPMed 0.00005.
gnomAD v4.1: 111 of 1,613,426 alleles (0.0069%); highest among the groups gnomAD compares: Non-Finnish European, 0.009%; no homozygotes.

Submissions (2):

Ambry Genetics
Classification: Uncertain significance. Last evaluated: 2025-10-08. Review status: criteria provided, single submitter. Criteria: Ambry Variant Classification Scheme 2023. Collection method: clinical testing. Allele origin: germline.

Mayo Clinic Laboratories, Mayo Clinic
Classification: Uncertain significance. Last evaluated: 2023-12-12. Review status: criteria provided, single submitter. Criteria: ACMG Guidelines, 2015. Collection method: clinical testing. Allele origin: germline. Observed: 3 variant alleles.
Comment: BP4, PM2_moderate